The following is an entry in ClinVar:

ClinVar aggregate classification (germline): Likely pathogenic. Review status: criteria provided, multiple submitters, no conflicts (2 of 4 stars). 4 submissions from 4 submitters: Likely pathogenic (4). Last evaluated 2025-03-17.

Conditions:
Combined pituitary hormone deficiencies, genetic form. Also called: Pituitary hormone deficiency, combined. Identifiers: Orphanet 95494, MedGen C4273747, MONDO:0013099.
Non-acquired combined pituitary hormone deficiency with spine abnormalities (CPHD3). Also called: Combined pituitary hormone deficiency type 3; Winkelman Bethge Pfeiffer syndrome; WBP syndrome. Identifiers: Orphanet 231720, MedGen C3489787, MONDO:0009091, OMIM 221750.

Submissions (4):

Natera, Inc.
Classification: Likely pathogenic for Combined pituitary hormone deficiency type 3. Last evaluated: 2025-03-17. Review status: criteria provided, single submitter. Criteria: Natera Variant Classification Schema (03/2026). Collection method: clinical testing. Allele origin: germline.
Comment: The c.622-3_645delCAGGTTTGGTTCCAGAACCGCCGGGCC variant in LHX3 is a deletion affecting a canonical splice donor site and part of an exon. This variant is expected to result in nonsense mediated decay, truncation, or a dysfunctional protein product. This variant is rare in the general population with a frequency below the threshold expected for the associated phenotype(s). Given the available evidence, this variant is classified as Likely Pathogenic.

Women's Health and Genetics/Laboratory Corporation of America, LabCorp
Classification: Likely pathogenic for Combined pituitary hormone deficiencies, genetic form. Last evaluated: 2025-02-18. Review status: criteria provided, single submitter. Criteria: LabCorp Variant Classification Summary - May 2015. Collection method: clinical testing. Allele origin: germline.
Comment: Variant summary: LHX3 c.622-3_645del27 is located in a canonical splice-site and is predicted to affect mRNA splicing resulting in a significantly altered protein due to either exon skipping, shortening, or inclusion of intronic material. Variants that disrupt the consensus splice site are a relatively common cause of aberrant splicing and loss of LHX3 function. Several computational tools predict a significant impact on normal splicing: Four predict the variant abolishes the canonical 3' acceptor site. However, these predictions have yet to be confirmed by functional studies. The variant allele was found at a frequency of 4.2e-06 in 240006 control chromosomes. To our knowledge, no occurrence of c.622-3_645del27 in individuals affected with Combined Pituitary Hormone Deficiency and no experimental evidence demonstrating its impact on protein function have been reported. ClinVar contains an entry for this variant (Variation ID: 1067231). Based on the evidence outlined above, the variant was classified as likely pathogenic.

Fulgent Genetics
Classification: Likely pathogenic for Non-acquired combined pituitary hormone deficiency with spine abnormalities. Last evaluated: 2024-05-01. Review status: criteria provided, single submitter. Criteria: ACMG Guidelines, 2015. Collection method: clinical testing. Allele origin: germline.

Labcorp Genetics (formerly Invitae), Labcorp
Classification: Likely pathogenic. Last evaluated: 2022-08-15. Review status: criteria provided, single submitter. Criteria: Invitae Variant Classification Sherloc (09022015). Collection method: clinical testing. Allele origin: germline.
Comment: Algorithms developed to predict the effect of sequence changes on RNA splicing suggest that this variant may disrupt the consensus splice site. In summary, the currently available evidence indicates that the variant is pathogenic, but additional data are needed to prove that conclusively. Therefore, this variant has been classified as Likely Pathogenic. ClinVar contains an entry for this variant (Variation ID: 1067231). This variant has not been reported in the literature in individuals affected with LHX3-related conditions. This variant is present in population databases (no rsID available, gnomAD 0.0009%). This variant results in the deletion of part of exon 5 (c.622-3_645del) of the LHX3 gene. It is expected to disrupt RNA splicing. Variants that disrupt the donor or acceptor splice site typically lead to a loss of protein function (PMID: 16199547), and loss-of-function variants in LHX3 are known to be pathogenic (PMID: 16394081, 18407919).

Literature cited by the submitters: PubMed 16199547 (cited by Labcorp Genetics (formerly Invitae), Labcorp); PubMed 16394081 (cited by Labcorp Genetics (formerly Invitae), Labcorp); PubMed 18407919 (cited by Labcorp Genetics (formerly Invitae), Labcorp).

NM_178138.6(LHX3):c.607-3_630del

Gene: LHX3 (LIM homeobox 3; minus strand). Cytogenetic location: 9q34.3.
Variant type: Deletion.
Coding change: c.607-3_630del on transcript NM_178138.6 (MANE Select); 3 bases into the intron before coding-DNA position 607 through coding-DNA position 630, 27 bases deleted (CAGGTTTGGTTCCAGAACCGCCGGGCC).
Molecular consequence: splice acceptor variant.
Genome position (GRCh38, 1-based): chr9:136,198,797-136,198,823, GGCCCGGCGGTTCTGGAACCAAACCTG deleted on the plus strand (CAGGTTTGGTTCCAGAACCGCCGGGCC on the coding strand, the reverse complement: LHX3 is on the minus strand); deleting any 27 consecutive bases within chr9:136,198,797-136,198,825 gives the same sequence; the c. name uses the placement nearest the transcript's 3' end. VCF-style (leftmost placement, unchanged base first): chr9-136198796-TGGCCCGGCGGTTCTGGAACCAAACCTG-T. GRCh37 (hg19) VCF-style: chr9-139090642-TGGCCCGGCGGTTCTGGAACCAAACCTG-T.
Other names: c.622-3_645del (NM_014564.5); c.574-3_597del (NM_001363746.1); c.622-3_645delCAGGTTTGGTTCCAGAACCGCCGGGCC (NM_014564.4); c.622-3_645del27 (NM_014564.5).
Identifiers: ClinVar variation 1067231 (VCV001067231.11), dbSNP rs969810391, ClinGen allele CA201530839.